The following is an entry in ClinVar:

ClinVar aggregate classification (germline): Uncertain significance (1 of 4 stars; one submission).

Submission:

Labcorp Genetics (formerly Invitae), Labcorp
Classification: Uncertain significance. Last evaluated: 2022-01-07. Review status: criteria provided, single submitter. Criteria: Invitae Variant Classification Sherloc (09022015). Collection method: clinical testing. Allele origin: germline.
Comment: This sequence change creates a premature translational stop signal (p.Leu126Argfs*57) in the LIPT2 gene. While this is not anticipated to result in nonsense mediated decay, it is expected to disrupt the last 106 amino acid(s) of the LIPT2 protein. In summary, the available evidence is currently insufficient to determine the role of this variant in disease. Therefore, it has been classified as a Variant of Uncertain Significance. Experimental studies and prediction algorithms are not available or were not evaluated, and the functional significance of this variant is currently unknown. This variant has not been reported in the literature in individuals affected with LIPT2-related conditions. The frequency data for this variant in the population databases is considered unreliable, as metrics indicate poor data quality at this position in the gnomAD database.

NM_001144869.3(LIPT2):c.370_376dup (p.Leu126fs)

Gene: LIPT2 (lipoyl(octanoyl) transferase 2; minus strand). Cytogenetic location: 11q13.4.
Variant type: Microsatellite.
Coding change: c.370_376dup on transcript NM_001144869.3 (MANE Select); coding-DNA positions 370 to 376, 7 bases duplicated (GTGCGCC; older notation c.370_376dupGTGCGCC).
Protein change: p.Leu126fs; shifts the reading frame from leucine 126.
Molecular consequence: frameshift variant. On other transcripts: intron variant (1).
Genome position (GRCh38, 1-based): chr11:74,493,328-74,493,334, GGCGCAC duplicated on the plus strand (GTGCGCC on the coding strand, the reverse complement: LIPT2 is on the minus strand); duplicating any 7 consecutive bases within chr11:74,493,328-74,493,342 gives the same sequence; the c. name uses the placement nearest the transcript's 3' end. VCF-style (leftmost placement, unchanged base first): chr11-74493327-A-AGGCGCAC. GRCh37 (hg19) VCF-style: chr11-74204372-A-AGGCGCAC.
Other names: c.370_376dup, p.Leu126fs (NM_001329941.2); c.237+126GTGCGCC[3] (NM_001329942.2); short protein forms L126fs.
Identifiers: ClinVar variation 1981179 (VCV001981179.2), dbSNP rs1321727836, ClinGen allele CA600712376.
Genomic context (GRCh38, chr11:74,493,327, plus strand): 5'-CAGACGCCAGTGTAGGGCGGGGGCCGCGCGCGGGCGTCCTGCAGGCCCTGGAGCTCGCAC[A>AGGCGCAC]GGCGCACGGCGCACGCCTCCAGCGACGCTACGTGCATGCGCAAGCGCAGGCCGAGACGCC-3'